The following is an entry in ClinVar:

ClinVar aggregate classification (germline): Conflicting classifications of pathogenicity. Review status: criteria provided, conflicting classifications (1 of 4 stars). 5 submissions from 5 submitters: Pathogenic (1); Uncertain significance (3). 1 of the submissions does not count toward it. Last evaluated 2026-01-05.

Conditions:
ABCC6-related disorder. Also called: ABCC6-related condition.
Arterial calcification, generalized, of infancy, 2. Identifiers: Orphanet 51608, MedGen C3276161, MONDO:0013768, OMIM 614473.
Autosomal recessive inherited pseudoxanthoma elasticum (PXE). Identifiers: Orphanet 758, MedGen CN032334, MONDO:0009925, OMIM 264800.
Pseudoxanthoma elasticum, forme fruste. Also called: Pseudoxanthoma Elasticum, Incomplete; PSEUDOXANTHOMA ELASTICUM, HETEROZYGOUS. Identifiers: Orphanet 758, MedGen C1867450, MONDO:0008333, OMIM 177850.

gnomAD v4.1: 10 of 1,613,888 alleles (0.00062%); highest among the groups gnomAD compares: East Asian, 0.0045%; no homozygotes.

Submissions (5):

PreventionGenetics, part of Exact Sciences
Classification: Uncertain significance for ABCC6-related condition. Last evaluated: 2026-01-05. Review status: criteria provided, single submitter. Criteria: ACMG Guidelines, 2015. Collection method: clinical testing. Allele origin: germline.
Comment: The ABCC6 c.1987G>A variant is predicted to result in the amino acid substitution p.Gly663Ser. This variant has been reported in large cohorts of individuals with pseudoxanthoma elasticum (Iwanaga et al. 2017. PubMed ID: 28186352; supplementary data, Verschuere et al. 2020. PubMed ID: 32873932; supplementary data, Boraldi et al. 2021. PubMed ID: 34205333; Garcia-Fernandez et al. 2008. PubMed ID: 18513494). This variant is reported in 0.0099% of alleles in individuals of Ashkenazi Jewish descent in gnomAD. At this time, the clinical significance of this variant is uncertain due to the absence of conclusive functional and genetic evidence.

Labcorp Genetics (formerly Invitae), Labcorp
Classification: Uncertain significance. Last evaluated: 2024-11-05. Review status: criteria provided, single submitter. Criteria: Invitae Variant Classification Sherloc (09022015). Collection method: clinical testing. Allele origin: germline.
Comment: This sequence change replaces glycine, which is neutral and non-polar, with serine, which is neutral and polar, at codon 663 of the ABCC6 protein (p.Gly663Ser). This variant is present in population databases (rs72653780, gnomAD 0.01%). This missense change has been observed in individual(s) with pseudoxanthoma elasticum (PMID: 18513494, 28186352). ClinVar contains an entry for this variant (Variation ID: 433445). Invitae Evidence Modeling of protein sequence and biophysical properties (such as structural, functional, and spatial information, amino acid conservation, physicochemical variation, residue mobility, and thermodynamic stability) indicates that this missense variant is expected to disrupt ABCC6 protein function with a positive predictive value of 95%. This variant disrupts the p.Gly663 amino acid residue in ABCC6. Other variant(s) that disrupt this residue have been observed in individuals with ABCC6-related conditions (PMID: 34906475), which suggests that this may be a clinically significant amino acid residue. In summary, the available evidence is currently insufficient to determine the role of this variant in disease. Therefore, it has been classified as a Variant of Uncertain Significance.

Blueprint Genetics
Classification: Pathogenic for ABCC6-related disorders. Last evaluated: 2024-09-09. Review status: criteria provided, single submitter. Criteria: ACMG Guidelines, 2015. Collection method: clinical testing. Allele origin: germline. Affected: yes. Observed: 2 variant alleles.

Fulgent Genetics
Classification: Uncertain significance for Pseudoxanthoma elasticum, forme fruste; Autosomal recessive inherited pseudoxanthoma elasticum; Arterial calcification, generalized, of infancy, 2. Last evaluated: 2024-03-27. Review status: criteria provided, single submitter. Criteria: ACMG Guidelines, 2015. Collection method: clinical testing. Allele origin: germline.

PXE International
Classification: Pathogenic for Autosomal recessive inherited pseudoxanthoma elasticum. Last evaluated: 2021-03-01. Review status: no assertion criteria provided. Collection method: research. Allele origin: germline. Inheritance: Autosomal recessive inheritance. Affected: yes. Observed: 1 variant allele. Not counted in ClinVar's aggregate classification.

Literature cited by the submitters: PubMed 18513494 (cited by Labcorp Genetics (formerly Invitae), Labcorp); PubMed 28186352 (cited by Labcorp Genetics (formerly Invitae), Labcorp); PubMed 34906475 (cited by Labcorp Genetics (formerly Invitae), Labcorp); PubMed 32873932 (cited by PXE International).

NM_001171.6(ABCC6):c.1987G>A (p.Gly663Ser)

Gene: ABCC6 (ATP binding cassette subfamily C member 6; minus strand). Cytogenetic location: 16p13.11.
Variant type: single nucleotide variant.
Coding change: c.1987G>A on transcript NM_001171.6 (MANE Select); coding-DNA position 1987, G replaced by A.
Protein change: p.Gly663Ser; replaces glycine 663 with serine.
Molecular consequence: missense variant. On other transcripts: non-coding transcript variant (1).
Genome position (GRCh38, 1-based): chr16:16,182,887, C>T on the plus strand (G>A on the coding strand, the complement: ABCC6 is on the minus strand). VCF-style: chr16-16182887-C-T. GRCh37 (hg19) VCF-style: chr16-16276744-C-T.
Other names: c.1645G>A, p.Gly549Ser (NM_001351800.1); short protein forms G663S, G549S.
Identifiers: ClinVar variation 433445 (VCV000433445.10), dbSNP rs72653780, ClinGen allele CA7926064.